The following is an entry in ClinVar:

ClinVar aggregate classification (germline): Uncertain significance (1 of 4 stars; one submission).

Conditions:
Hereditary cancer-predisposing syndrome. Also called: Neoplastic Syndromes, Hereditary; Tumor predisposition; Hereditary Cancer Syndrome; Hereditary neoplastic syndrome. Identifiers: Orphanet 140162, MedGen C0027672, MeSH D009386, MONDO:0015356.

Submission:

Ambry Genetics
Classification: Uncertain significance for Hereditary cancer-predisposing syndrome. Last evaluated: 2021-12-29. Review status: criteria provided, single submitter. Criteria: Ambry Variant Classification Scheme 2023. Collection method: clinical testing. Allele origin: germline.
Comment: The p.A1149T variant (also known as c.3445G>A), located in coding exon 13 of the PALB2 gene, results from a G to A substitution at nucleotide position 3445. The alanine at codon 1149 is replaced by threonine, an amino acid with similar properties. This amino acid position is conserved. In addition, this alteration is predicted to be tolerated by in silico analysis. Since supporting evidence is limited at this time, the clinical significance of this alteration remains unclear.

NM_024675.4(PALB2):c.3445G>A (p.Ala1149Thr)

Gene: PALB2 (partner and localizer of BRCA2; minus strand). Cytogenetic location: 16p12.2.
Variant type: single nucleotide variant.
Coding change: c.3445G>A on transcript NM_024675.4 (MANE Select); coding-DNA position 3445, G replaced by A.
Protein change: p.Ala1149Thr; replaces alanine 1149 with threonine.
Molecular consequence: missense variant.
Genome position (GRCh38, 1-based): chr16:23,603,575, C>T on the plus strand (G>A on the coding strand, the complement: PALB2 is on the minus strand). VCF-style: chr16-23603575-C-T. GRCh37 (hg19) VCF-style: chr16-23614896-C-T.
Other names: c.3385G>A, p.Ala1129Thr (NM_001407296.1); c.3373G>A, p.Ala1125Thr (NM_001407297.1); c.3283G>A, p.Ala1095Thr (NM_001407298.1); c.3208G>A, p.Ala1070Thr (NM_001407299.1); c.3166G>A, p.Ala1056Thr (NM_001407300.1); c.*80G>A (NM_001407301.1, NM_001407302.1, NM_001407310.1 and 2 more transcripts); c.2560G>A, p.Ala854Thr (NM_001407304.1, NM_001407305.1, NM_001407306.1); c.2398G>A, p.Ala800Thr (NM_001407307.1); and 3 more; short protein forms A1056T, A1070T, A1129T, A327T, A775T, A1125T, A800T, A1095T.
Identifiers: ClinVar variation 1731507 (VCV001731507.2), dbSNP rs2142253674, ClinGen allele CA395138119.